The following is an entry in ClinVar:

NM_001142784.3(IL11RA):c.1184G>A (p.Arg395Gln)

Gene: IL11RA (interleukin 11 receptor subunit alpha; plus strand). Cytogenetic location: 9p13.3.
Variant type: single nucleotide variant.
Coding change: c.1184G>A on transcript NM_001142784.3 (MANE Select); coding-DNA position 1184, G replaced by A.
Protein change: p.Arg395Gln; replaces arginine 395 with glutamine.
Molecular consequence: missense variant. On other transcripts: non-coding transcript variant (1).
Genome position (GRCh38, 1-based): chr9:34,660,868, G>A. VCF-style: chr9-34660868-G-A. GRCh37 (hg19) VCF-style: chr9-34660865-G-A.
Other names: short protein forms R395Q.
Identifiers: ClinVar variation 1375695 (VCV001375695.6), dbSNP rs780640758, ClinGen allele CA5036737.

ClinVar aggregate classification (germline): Uncertain significance (1 of 4 stars; one submission).

Allele frequency attached by ClinVar (database versions not stated): gnomAD exomes below 0.00001; ExAC 0.00001; gnomAD 0.00001; TOPMed 0.00001.
gnomAD v4.1: 5 of 1,614,006 alleles (0.00031%); highest among the groups gnomAD compares: East Asian, 0.0022%; no homozygotes.

Submission:

Labcorp Genetics (formerly Invitae), Labcorp
Classification: Uncertain significance. Last evaluated: 2021-08-17. Review status: criteria provided, single submitter. Criteria: Invitae Variant Classification Sherloc (09022015). Collection method: clinical testing. Allele origin: germline.
Comment: This sequence change replaces arginine with glutamine at codon 395 of the IL11RA protein (p.Arg395Gln). The arginine residue is weakly conserved and there is a small physicochemical difference between arginine and glutamine. This variant is present in population databases (rs780640758, ExAC 0.009%). This variant has not been reported in the literature in individuals affected with IL11RA-related conditions. Algorithms developed to predict the effect of missense changes on protein structure and function output the following: SIFT: "Tolerated"; PolyPhen-2: "Benign"; Align-GVGD: "Class C0". The glutamine amino acid residue is found in multiple mammalian species, which suggests that this missense change does not adversely affect protein function. In summary, the available evidence is currently insufficient to determine the role of this variant in disease. Therefore, it has been classified as a Variant of Uncertain Significance.